The following is an entry in ClinVar:

ClinVar aggregate classification (germline): Benign/Likely benign. Review status: criteria provided, multiple submitters, no conflicts (2 of 4 stars). 7 submissions from 7 submitters: Benign (1); Likely benign (6). Last evaluated 2025-09-28.

Conditions:
Pancreatic cancer, susceptibility to, 3. Identifiers: Orphanet 1333, MedGen C3150547, MONDO:0013236, OMIM 613348.
Familial cancer of breast. Also called: hereditary breast carcinoma; BREAST CANCER, FAMILIAL; Hereditary breast cancer. Identifiers: Orphanet 227535, MedGen C0346153, MONDO:0016419, OMIM 114480. Disease mechanism: loss of function.
Fanconi anemia complementation group N. Also called: PALB2-Related Fanconi Anemia. Identifiers: Orphanet 84, MedGen C1835817, MONDO:0012565, OMIM 610832. Disease mechanism: loss of function.
Hereditary cancer-predisposing syndrome. Also called: Neoplastic Syndromes, Hereditary; Tumor predisposition; Hereditary Cancer Syndrome; Hereditary neoplastic syndrome. Identifiers: Orphanet 140162, MedGen C0027672, MeSH D009386, MONDO:0015356.

Allele frequency attached by ClinVar (database versions not stated): gnomAD exomes 0.00001.

Submissions (7):

Labcorp Genetics (formerly Invitae), Labcorp
Classification: Likely benign for Familial cancer of breast. Last evaluated: 2025-09-28. Review status: criteria provided, single submitter. Criteria: Invitae Variant Classification Sherloc (09022015). Collection method: clinical testing. Allele origin: germline.

Myriad Genetics, Inc.
Classification: Benign for Familial cancer of breast. Last evaluated: 2025-01-13. Review status: criteria provided, single submitter. Criteria: Myriad Autosomal Dominant, Autosomal Recessive and X-Linked Classification Criteria (2023). Collection method: clinical testing. Allele origin: unknown.
Comment: This variant is considered benign. This variant is a silent/synonymous amino acid change and it is not expected to impact splicing.

Fulgent Genetics
Classification: Likely benign for Familial cancer of breast; Fanconi anemia complementation group N; Pancreatic cancer, susceptibility to, 3. Last evaluated: 2021-12-28. Review status: criteria provided, single submitter. Criteria: ACMG Guidelines, 2015. Collection method: clinical testing. Allele origin: unknown.

Sema4
Classification: Likely benign for Hereditary cancer-predisposing syndrome. Last evaluated: 2021-01-26. Review status: criteria provided, single submitter. Criteria: Sema4 Curation Guidelines. Collection method: curation. Allele origin: germline.

Ambry Genetics
Classification: Likely benign for Hereditary cancer-predisposing syndrome. Last evaluated: 2021-01-16. Review status: criteria provided, single submitter. Criteria: Ambry Variant Classification Scheme 2023. Collection method: clinical testing. Allele origin: germline.

Color Diagnostics, LLC DBA Color Health
Classification: Likely benign for Hereditary cancer-predisposing syndrome. Last evaluated: 2018-11-01. Review status: criteria provided, single submitter. Criteria: ACMG Guidelines, 2015. Collection method: clinical testing. Allele origin: germline.

GeneDx
Classification: Likely benign. Last evaluated: 2017-07-07. Review status: criteria provided, single submitter. Criteria: GeneDx Variant Classification (06012015). Collection method: clinical testing. Allele origin: germline. Affected: yes.
Comment: This variant is considered likely benign or benign based on one or more of the following criteria: it is a conservative change, it occurs at a poorly conserved position in the protein, it is predicted to be benign by multiple in silico algorithms, and/or has population frequency not consistent with disease.

NM_024675.4(PALB2):c.1164T>C (p.Pro388=)

Gene: PALB2 (partner and localizer of BRCA2; minus strand). Cytogenetic location: 16p12.2.
Variant type: single nucleotide variant.
Coding change: c.1164T>C on transcript NM_024675.4 (MANE Select); coding-DNA position 1164, T replaced by C.
Protein change: p.Pro388=; no amino-acid change (proline 388 retained).
Molecular consequence: synonymous variant.
Genome position (GRCh38, 1-based): chr16:23,635,382, A>G on the plus strand (T>C on the coding strand, the complement: PALB2 is on the minus strand). VCF-style: chr16-23635382-A-G. GRCh37 (hg19) VCF-style: chr16-23646703-A-G.
Identifiers: ClinVar variation 517000 (VCV000517000.17), dbSNP rs1205215998, ClinGen allele CA494461880.